The following is an entry in ClinVar:

ClinVar aggregate classification (germline): Benign/Likely benign. Review status: criteria provided, multiple submitters, no conflicts (2 of 4 stars). 2 submissions from 2 submitters: Benign (1); Likely benign (1). Last evaluated 2025-07-01.

Allele frequency attached by ClinVar (database versions not stated): gnomAD 0.00002; TOPMed 0.00004; ExAC 0.00007.
gnomAD v4.1: 32 of 1,596,450 alleles (0.002%); highest among the groups gnomAD compares: East Asian, 0.038%; no homozygotes.

Submissions (2):

CeGaT Center for Human Genetics Tuebingen
Classification: Likely benign. Last evaluated: 2025-07-01. Review status: criteria provided, single submitter. Criteria: CeGaT Center For Human Genetics Tuebingen Variant Classification Criteria Version 2. Collection method: clinical testing. Allele origin: germline. Affected: yes. Observed: 1 variant allele.
Comment: CHD8: BP4

Labcorp Genetics (formerly Invitae), Labcorp
Classification: Benign. Last evaluated: 2023-10-13. Review status: criteria provided, single submitter. Criteria: Invitae Variant Classification Sherloc (09022015). Collection method: clinical testing. Allele origin: germline.

NM_001170629.2(CHD8):c.2763C>T (p.Asp921=)

Gene: CHD8 (chromodomain helicase DNA binding protein 8; minus strand). Cytogenetic location: 14q11.2.
Variant type: single nucleotide variant.
Coding change: c.2763C>T on transcript NM_001170629.2 (MANE Select); coding-DNA position 2763, C replaced by T.
Protein change: p.Asp921=; no amino-acid change (aspartic acid 921 retained).
Molecular consequence: synonymous variant.
Genome position (GRCh38, 1-based): chr14:21,407,000, G>A on the plus strand (C>T on the coding strand, the complement: CHD8 is on the minus strand). VCF-style: chr14-21407000-G-A. GRCh37 (hg19) VCF-style: chr14-21875159-G-A.
Other names: c.1926C>T, p.Asp642= (NM_020920.4).
Identifiers: ClinVar variation 2906937 (VCV002906937.11), dbSNP rs752864980, ClinGen allele CA7091506.